The following is an entry in ClinVar:

ClinVar aggregate classification (germline): Uncertain significance (1 of 4 stars; one submission).

Submission:

GeneDx
Classification: Uncertain significance. Last evaluated: 2025-01-03. Review status: criteria provided, single submitter. Criteria: GeneDx Variant Classification Process June 2021. Collection method: clinical testing. Allele origin: germline. Affected: yes.
Comment: Not observed at significant frequency in large population cohorts (gnomAD); In silico analysis indicates that this missense variant does not alter protein structure/function; Has not been previously published as pathogenic or benign to our knowledge

NM_030632.3(ASXL3):c.1264C>G (p.Leu422Val)

Gene: ASXL3 (ASXL transcriptional regulator 3; plus strand). Cytogenetic location: 18q12.1.
Variant type: single nucleotide variant.
Coding change: c.1264C>G on transcript NM_030632.3 (MANE Select); coding-DNA position 1264, C replaced by G.
Protein change: p.Leu422Val; replaces leucine 422 with valine.
Molecular consequence: missense variant.
Genome position (GRCh38, 1-based): chr18:33,738,668, C>G. VCF-style: chr18-33738668-C-G. GRCh37 (hg19) VCF-style: chr18-31318632-C-G.
Other names: short protein forms L422V.
Identifiers: ClinVar variation 4055894 (VCV004055894.1).